The following is an entry in ClinVar:

ClinVar aggregate classification (germline): Benign/Likely benign. Review status: criteria provided, multiple submitters, no conflicts (2 of 4 stars). 6 submissions from 6 submitters: Benign (1); Likely benign (4). 1 of the submissions does not count toward it. Last evaluated 2026-01-11.

Conditions:
Hereditary cancer-predisposing syndrome. Also called: Hereditary Cancer Syndrome; Hereditary neoplastic syndrome; Tumor predisposition; Neoplastic Syndromes, Hereditary. Identifiers: Orphanet 140162, MedGen C0027672, MeSH D009386, MONDO:0015356.
Multiple endocrine neoplasia, type 1 (MEN1). Also called: MEN I; WERMER SYNDROME; Endocrine adenomatosis multiple; MEN 1; MEA I. Identifiers: Orphanet 652, MedGen C0025267, MeSH D018761, MONDO:0007540, OMIM 131100.
MEN1-related disorder. Also called: MEN1-related condition.

Allele frequency attached by ClinVar (database versions not stated): gnomAD 0.00001; gnomAD exomes 0.00002; TOPMed 0.00002.

Submissions (6):

Labcorp Genetics (formerly Invitae), Labcorp
Classification: Likely benign for Multiple endocrine neoplasia, type 1. Last evaluated: 2026-01-11. Review status: criteria provided, single submitter. Criteria: Invitae Variant Classification Sherloc (09022015). Collection method: clinical testing. Allele origin: germline.

Myriad Genetics, Inc.
Classification: Benign for Multiple endocrine neoplasia, type 1. Last evaluated: 2024-11-05. Review status: criteria provided, single submitter. Criteria: Myriad Autosomal Dominant, Autosomal Recessive and X-Linked Classification Criteria (2023). Collection method: clinical testing. Allele origin: unknown.
Comment: This variant is considered benign. This variant is a silent/synonymous amino acid change and it is not expected to impact splicing.

All of Us Research Program, National Institutes of Health
Classification: Likely benign for Multiple endocrine neoplasia, type 1. Last evaluated: 2024-02-05. Review status: criteria provided, single submitter. Criteria: ACMG Guidelines, 2015. Collection method: clinical testing. Allele origin: germline. Inheritance: Autosomal dominant inheritance. Observed: 6 variant alleles, 6 heterozygotes.
Comment: This study involves interpretation of variants in research participants for the purpose of population health screening. Participant phenotype was not available at the time of variant classification. Additional details can be found in publication PMID: 35346344, PMCID: PMC8962531

ARUP Laboratories, Molecular Genetics and Genomics, ARUP Laboratories
Classification: Likely benign for Multiple endocrine neoplasia, type 1. Last evaluated: 2019-05-23. Review status: criteria provided, single submitter. Criteria: ARUP Molecular Germline Variant Investigation Process. Collection method: clinical testing. Allele origin: germline.

Ambry Genetics
Classification: Likely benign for Hereditary cancer-predisposing syndrome. Last evaluated: 2017-09-25. Review status: criteria provided, single submitter. Criteria: Ambry Variant Classification Scheme 2023. Collection method: clinical testing. Allele origin: germline.

PreventionGenetics, part of Exact Sciences
Classification: Likely benign for MEN1-related condition. Last evaluated: 2023-12-06. Review status: no assertion criteria provided. Collection method: clinical testing. Allele origin: germline. Not counted in ClinVar's aggregate classification.
Comment: This variant is classified as likely benign based on ACMG/AMP sequence variant interpretation guidelines (Richards et al. 2015 PMID: 25741868, with internal and published modifications).

NM_001370259.2(MEN1):c.1608G>A (p.Gln536=)

Gene: MEN1 (menin 1; minus strand). Cytogenetic location: 11q13.1.
Variant type: single nucleotide variant.
Coding change: c.1608G>A on transcript NM_001370259.2 (MANE Select); coding-DNA position 1608, G replaced by A.
Protein change: p.Gln536=; no amino-acid change (glutamine 536 retained).
Molecular consequence: synonymous variant.
Genome position (GRCh38, 1-based): chr11:64,804,559, C>T on the plus strand (G>A on the coding strand, the complement: MEN1 is on the minus strand). VCF-style: chr11-64804559-C-T. GRCh37 (hg19) VCF-style: chr11-64572031-C-T.
Other names: c.1623G>A, p.Gln541= (NM_000244.4, NM_130800.3, NM_130801.3 and 3 more transcripts); c.1734G>A, p.Gln578= (NM_001370251.2); c.1608G>A, p.Gln536= (NM_001370260.2, NM_001370261.2, NM_130799.3); c.1503G>A, p.Gln501= (NM_001370262.2, NM_001370263.2); c.1623G>A (NM_000244.3).
Identifiers: ClinVar variation 457308 (VCV000457308.26), dbSNP rs1055457298, ClinGen allele CA223911872.